The following is an entry in ClinVar:

NM_000535.7(PMS2):c.574T>C (p.Cys192Arg)

Gene: PMS2 (PMS1 homolog 2, mismatch repair system component; minus strand). Cytogenetic location: 7p22.1.
Variant type: single nucleotide variant.
Coding change: c.574T>C on transcript NM_000535.7 (MANE Select); coding-DNA position 574, T replaced by C.
Protein change: p.Cys192Arg; replaces cysteine 192 with arginine.
Molecular consequence: missense variant. On other transcripts: non-coding transcript variant (1), intron variant (3).
Genome position (GRCh38, 1-based): chr7:5,999,239, A>G on the plus strand (T>C on the coding strand, the complement: PMS2 is on the minus strand). VCF-style: chr7-5999239-A-G. GRCh37 (hg19) VCF-style: chr7-6038870-A-G.
Other names: c.169T>C, p.Cys57Arg (NM_001322003.2, NM_001322004.2, NM_001322005.2 and 2 more transcripts); c.574T>C, p.Cys192Arg (NM_001322006.2, NM_001322014.2); c.256T>C, p.Cys86Arg (NM_001322007.2, NM_001322008.2); c.265T>C, p.Cys89Arg (NM_001322015.2); c.133-1816T>C (NM_001322013.2); c.-347-13T>C (NM_001322012.2, NM_001322011.2); c.574T>C (NM_000535.5); short protein forms C86R, C89R, C192R, C57R.
Identifiers: ClinVar variation 1414630 (VCV001414630.7), dbSNP rs773752935, ClinGen allele CA366744060.

ClinVar aggregate classification (germline): Uncertain significance. Review status: criteria provided, multiple submitters, no conflicts (2 of 4 stars). 3 submissions from 3 submitters: Uncertain significance (3). Last evaluated 2025-07-11.

Conditions:
Hereditary nonpolyposis colorectal neoplasms. Identifiers: MedGen C0009405, MeSH D003123.
Hereditary cancer-predisposing syndrome. Also called: Hereditary Cancer Syndrome; Tumor predisposition; Hereditary neoplastic syndrome; Neoplastic Syndromes, Hereditary. Identifiers: Orphanet 140162, MedGen C0027672, MeSH D009386, MONDO:0015356.

Submissions (3):

Color Diagnostics, LLC DBA Color Health
Classification: Uncertain significance for Hereditary cancer-predisposing syndrome. Last evaluated: 2025-07-11. Review status: criteria provided, single submitter. Criteria: ACMG Guidelines, 2015. Collection method: clinical testing. Allele origin: germline.
Comment: This missense variant replaces cysteine with arginine at codon 192 of the PMS2 protein. Computational prediction suggests that this variant may have deleterious impact on protein structure and function. To our knowledge, functional studies have not been reported for this variant. This variant has not been reported in individuals affected with PMS2-related disorders in the literature. This variant has not been identified in the general population by the Genome Aggregation Database (gnomAD). The available evidence is insufficient to determine the role of this variant in disease conclusively. Therefore, this variant is classified as a Variant of Uncertain Significance.

Ambry Genetics
Classification: Uncertain significance for Hereditary cancer-predisposing syndrome. Last evaluated: 2024-11-17. Review status: criteria provided, single submitter. Criteria: Ambry Variant Classification Scheme 2023. Collection method: clinical testing. Allele origin: germline.
Comment: The p.C192R variant (also known as c.574T>C), located in coding exon 6 of the PMS2 gene, results from a T to C substitution at nucleotide position 574. The cysteine at codon 192 is replaced by arginine, an amino acid with highly dissimilar properties. This amino acid position is conserved. In addition, this alteration is predicted to be deleterious by in silico analysis. Based on the available evidence, the clinical significance of this variant remains unclear.

Labcorp Genetics (formerly Invitae), Labcorp
Classification: Uncertain significance for Hereditary nonpolyposis colorectal neoplasms. Last evaluated: 2023-07-19. Review status: criteria provided, single submitter. Criteria: Invitae Variant Classification Sherloc (09022015). Collection method: clinical testing. Allele origin: germline.
Comment: This sequence change replaces cysteine, which is neutral and slightly polar, with arginine, which is basic and polar, at codon 192 of the PMS2 protein (p.Cys192Arg). This variant is not present in population databases (gnomAD no frequency). This variant has not been reported in the literature in individuals affected with PMS2-related conditions. ClinVar contains an entry for this variant (Variation ID: 1414630). Advanced modeling of protein sequence and biophysical properties (such as structural, functional, and spatial information, amino acid conservation, physicochemical variation, residue mobility, and thermodynamic stability) performed at Invitae indicates that this missense variant is expected to disrupt PMS2 protein function. Algorithms developed to predict the effect of sequence changes on RNA splicing suggest that this variant may create or strengthen a splice site. In summary, the available evidence is currently insufficient to determine the role of this variant in disease. Therefore, it has been classified as a Variant of Uncertain Significance.